The following is an entry in ClinVar:

NM_020297.4(ABCC9):c.3413C>T (p.Ala1138Val)

Gene: ABCC9 (ATP binding cassette subfamily C member 9; minus strand). Cytogenetic location: 12p12.1.
Variant type: single nucleotide variant.
Coding change: c.3413C>T on transcript NM_020297.4 (MANE Select); coding-DNA position 3413, C replaced by T.
Protein change: p.Ala1138Val; replaces alanine 1138 with valine.
Molecular consequence: missense variant.
Genome position (GRCh38, 1-based): chr12:21,842,374, G>A on the plus strand (C>T on the coding strand, the complement: ABCC9 is on the minus strand). VCF-style: chr12-21842374-G-A. GRCh37 (hg19) VCF-style: chr12-21995308-G-A.
Other names: c.3413C>T, p.Ala1138Val (NM_001377273.1, NM_005691.4); c.2546C>T, p.Ala849Val (NM_001377274.1); short protein forms A849V, A1138V.
Identifiers: ClinVar variation 2833134 (VCV002833134.3), dbSNP rs2541055547, ClinGen allele CA384140861.

ClinVar aggregate classification (germline): Uncertain significance (1 of 4 stars; one submission).

Conditions:
Dilated cardiomyopathy 1O (CMD1O). Also called: CARDIOMYOPATHY, DILATED, WITH VENTRICULAR TACHYCARDIA. Identifiers: Orphanet 154, MedGen C1837839, MONDO:0012062, OMIM 608569.

Submission:

Labcorp Genetics (formerly Invitae), Labcorp
Classification: Uncertain significance for Dilated cardiomyopathy 1O. Last evaluated: 2024-05-07. Review status: criteria provided, single submitter. Criteria: Invitae Variant Classification Sherloc (09022015). Collection method: clinical testing. Allele origin: germline.
Comment: This sequence change replaces alanine, which is neutral and non-polar, with valine, which is neutral and non-polar, at codon 1138 of the ABCC9 protein (p.Ala1138Val). This variant is not present in population databases (gnomAD no frequency). This variant has not been reported in the literature in individuals affected with ABCC9-related conditions. Advanced modeling of protein sequence and biophysical properties (such as structural, functional, and spatial information, amino acid conservation, physicochemical variation, residue mobility, and thermodynamic stability) has been performed at Invitae for this missense variant, however the output from this modeling did not meet the statistical confidence thresholds required to predict the impact of this variant on ABCC9 protein function. In summary, the available evidence is currently insufficient to determine the role of this variant in disease. Therefore, it has been classified as a Variant of Uncertain Significance.